The following is an entry in ClinVar:

NM_001363711.2(DUOX2):c.2000del (p.Leu667fs)

Gene: DUOX2 (dual oxidase 2; minus strand). Cytogenetic location: 15q21.1.
Variant type: Deletion.
Coding change: c.2000del on transcript NM_001363711.2 (MANE Select); coding-DNA position 2000, one base deleted (T; older notation c.2000delT).
Protein change: p.Leu667fs; shifts the reading frame from leucine 667.
Molecular consequence: frameshift variant.
Genome position (GRCh38, 1-based): chr15:45,106,273, A deleted on the plus strand (T on the coding strand, the reverse complement: DUOX2 is on the minus strand). VCF-style (leftmost placement, unchanged base first): chr15-45106272-CA-C. GRCh37 (hg19) VCF-style: chr15-45398470-CA-C.
Other names: c.2000del, p.Leu667fs (NM_014080.5); short protein forms L667fs.
Identifiers: ClinVar variation 1322790 (VCV001322790.14), dbSNP rs772348846, ClinGen allele CA7538409.

ClinVar aggregate classification (germline): Pathogenic. Review status: criteria provided, multiple submitters, no conflicts (2 of 4 stars). 4 submissions from 4 submitters: Pathogenic (4). Last evaluated 2025-11-21.

Conditions:
Thyroid dyshormonogenesis 6 (TDH6). Also called: Genetic transient congenital hypothyroidism; THYROID HORMONOGENESIS, GENETIC DEFECT IN, 6; HYPOTHYROIDISM, CONGENITAL, DUE TO DYSHORMONOGENESIS, 6. Identifiers: Orphanet 226316, Orphanet 95716, MedGen C1846632, MONDO:0011792, OMIM 607200.

Allele frequency attached by ClinVar (database versions not stated): gnomAD exomes 0.00002 and 0.00004; ExAC 0.00006.

Submissions (4):

3billion
Classification: Pathogenic for Thyroid dyshormonogenesis 6. Last evaluated: 2025-11-21. Review status: criteria provided, single submitter. Criteria: ACMG Guidelines, 2015. Collection method: clinical testing. Allele origin: germline. Affected: yes.
Comment: The variant is observed at an extremely low frequency in the gnomAD v4.1.0 dataset (total allele frequency: 0.002%). Predicted Consequence/Location: Frameshift: predicted to result in a loss or disruption of normal protein function through nonsense-mediated decay (NMD) or protein truncation. Multiple pathogenic variants are reported downstream of the variant. The variant has been reported at least twice as pathogenic with clinical assertions and evidence for the classification (ClinVar ID: VCV001322790 /PMID: 26709262 /3billion dataset). Therefore, this variant is classified as Pathogenic according to the recommendation of ACMG/AMP guideline.

Fulgent Genetics
Classification: Pathogenic for Thyroid dyshormonogenesis 6. Last evaluated: 2024-06-05. Review status: criteria provided, single submitter. Criteria: ACMG Guidelines, 2015. Collection method: clinical testing. Allele origin: germline.

Labcorp Genetics (formerly Invitae), Labcorp
Classification: Pathogenic. Last evaluated: 2024-01-27. Review status: criteria provided, single submitter. Criteria: Invitae Variant Classification Sherloc (09022015). Collection method: clinical testing. Allele origin: germline.
Comment: This sequence change creates a premature translational stop signal (p.Leu667Argfs*9) in the DUOX2 gene. It is expected to result in an absent or disrupted protein product. Loss-of-function variants in DUOX2 are known to be pathogenic (PMID: 12110737, 18765513, 21565790, 24423310, 24735383). This variant is present in population databases (rs772348846, gnomAD 0.05%). This premature translational stop signal has been observed in individual(s) with congenital hypothyroidism (PMID: 26709262). ClinVar contains an entry for this variant (Variation ID: 1322790). For these reasons, this variant has been classified as Pathogenic.

Revvity Omics, Revvity
Classification: Pathogenic for Thyroid dyshormonogenesis 6. Last evaluated: 2020-10-19. Review status: criteria provided, single submitter. Criteria: ACMG Guidelines, 2015. Collection method: clinical testing. Allele origin: germline.

Literature cited by the submitters: PubMed 26709262 (cited by 3billion and Labcorp Genetics (formerly Invitae), Labcorp); PubMed 12110737 (cited by Labcorp Genetics (formerly Invitae), Labcorp); PubMed 18765513 (cited by Labcorp Genetics (formerly Invitae), Labcorp); PubMed 21565790 (cited by Labcorp Genetics (formerly Invitae), Labcorp); PubMed 24423310 (cited by Labcorp Genetics (formerly Invitae), Labcorp); PubMed 24735383 (cited by Labcorp Genetics (formerly Invitae), Labcorp).